The following is an entry in ClinVar:

NM_000536.4(RAG2):c.1478G>T (p.Arg493Ile)

Gene: RAG2 (recombination activating 2; minus strand). Cytogenetic location: 11p12.
Variant type: single nucleotide variant.
Coding change: c.1478G>T on transcript NM_000536.4 (MANE Select); coding-DNA position 1478, G replaced by T.
Protein change: p.Arg493Ile; replaces arginine 493 with isoleucine.
Molecular consequence: missense variant.
Genome position (GRCh38, 1-based): chr11:36,592,691, C>A on the plus strand (G>T on the coding strand, the complement: RAG2 is on the minus strand). VCF-style: chr11-36592691-C-A. GRCh37 (hg19) VCF-style: chr11-36614241-C-A.
Other names: c.1478G>T, p.Arg493Ile (NM_001243785.2, NM_001243786.2); short protein forms R493I.
Identifiers: ClinVar variation 1381133 (VCV001381133.6), dbSNP rs2037101, ClinGen allele CA380140273.

ClinVar aggregate classification (germline): Uncertain significance (1 of 4 stars; one submission).

Conditions:
Severe combined immunodeficiency, autosomal recessive, T cell-negative, B cell-negative, NK cell-positive. Also called: SCID, T CELL-NEGATIVE, B CELL-NEGATIVE, NK CELL-POSITIVE; SCID, AR, T-cell negative, B-cell negative, NK cell-positive; Severe combined immunodeficiency due to complete RAG1/2 deficiency. Identifiers: Orphanet 331206, MedGen C1832322, MONDO:0011086, OMIM 601457.
Combined immunodeficiency with skin granulomas. Identifiers: Orphanet 157949, MedGen C2673536, MONDO:0009306, OMIM 233650.

Submission:

Labcorp Genetics (formerly Invitae), Labcorp
Classification: Uncertain significance for Combined immunodeficiency with skin granulomas; Severe combined immunodeficiency, autosomal recessive, T cell-negative, B cell-negative, NK cell-positive. Last evaluated: 2021-11-04. Review status: criteria provided, single submitter. Criteria: Invitae Variant Classification Sherloc (09022015). Collection method: clinical testing. Allele origin: germline.
Comment: This variant is not present in population databases (gnomAD no frequency). This variant has not been reported in the literature in individuals affected with RAG2-related conditions. Advanced modeling of protein sequence and biophysical properties (such as structural, functional, and spatial information, amino acid conservation, physicochemical variation, residue mobility, and thermodynamic stability) performed at Invitae indicates that this missense variant is not expected to disrupt RAG2 protein function. In summary, the available evidence is currently insufficient to determine the role of this variant in disease. Therefore, it has been classified as a Variant of Uncertain Significance. This sequence change replaces arginine, which is basic and polar, with isoleucine, which is neutral and non-polar, at codon 493 of the RAG2 protein (p.Arg493Ile).